The following is an entry in ClinVar:

NM_014244.5(ADAMTS2):c.1136A>T (p.Tyr379Phe)

Gene: ADAMTS2 (ADAM metallopeptidase with thrombospondin type 1 motif 2; minus strand). Cytogenetic location: 5q35.3.
Variant type: single nucleotide variant.
Coding change: c.1136A>T on transcript NM_014244.5 (MANE Select); coding-DNA position 1136, A replaced by T.
Protein change: p.Tyr379Phe; replaces tyrosine 379 with phenylalanine.
Molecular consequence: missense variant.
Genome position (GRCh38, 1-based): chr5:179,154,916, T>A on the plus strand (A>T on the coding strand, the complement: ADAMTS2 is on the minus strand). VCF-style: chr5-179154916-T-A. GRCh37 (hg19) VCF-style: chr5-178581917-T-A.
Other names: c.1136A>T, p.Tyr379Phe (NM_021599.4); short protein forms Y379F.
Identifiers: ClinVar variation 2012287 (VCV002012287.4), dbSNP rs1763439417, ClinGen allele CA362435182.

ClinVar aggregate classification (germline): Uncertain significance (1 of 4 stars; one submission).

Conditions:
Ehlers-Danlos syndrome, dermatosparaxis type. Also called: Ehlers-Danlos syndrome, type VII, autosomal recessive; EDS VIIC; Dermatosparaxis. Identifiers: Orphanet 1901, MedGen C2700425, MONDO:0009161, OMIM 225410.

Submission:

Labcorp Genetics (formerly Invitae), Labcorp
Classification: Uncertain significance for Ehlers-Danlos syndrome, dermatosparaxis type. Last evaluated: 2022-06-29. Review status: criteria provided, single submitter. Criteria: Invitae Variant Classification Sherloc (09022015). Collection method: clinical testing. Allele origin: germline.
Comment: This variant has not been reported in the literature in individuals affected with ADAMTS2-related conditions. This variant is not present in population databases (gnomAD no frequency). This sequence change replaces tyrosine, which is neutral and polar, with phenylalanine, which is neutral and non-polar, at codon 379 of the ADAMTS2 protein (p.Tyr379Phe). In summary, the available evidence is currently insufficient to determine the role of this variant in disease. Therefore, it has been classified as a Variant of Uncertain Significance. Algorithms developed to predict the effect of missense changes on protein structure and function are either unavailable or do not agree on the potential impact of this missense change (SIFT: "Deleterious"; PolyPhen-2: "Probably Damaging"; Align-GVGD: "Class C15").